The following is an entry in ClinVar:

NM_001024845.3(SLC6A9):c.31-825G>A

Gene: SLC6A9 (solute carrier family 6 member 9; minus strand). Cytogenetic location: 1p34.1.
Variant type: single nucleotide variant.
Coding change: c.31-825G>A on transcript NM_001024845.3 (MANE Select); 825 bases into the intron before coding-DNA position 31, G replaced by A.
Molecular consequence: intron variant. On other transcripts: missense variant (1).
Genome position (GRCh38, 1-based): chr1:44,011,707, C>T on the plus strand (G>A on the coding strand, the complement: SLC6A9 is on the minus strand). VCF-style: chr1-44011707-C-T. GRCh37 (hg19) VCF-style: chr1-44477379-C-T.
Other names: c.103G>A, p.Val35Ile (NM_201649.4); c.-14-3084G>A (NM_001328630.2, NM_001328626.2); c.31-825G>A (NM_001328629.1); c.125-3084G>A (NM_001328628.1); c.125-1611G>A (NM_001328627.1); c.88-825G>A (NM_001261380.2, NM_006934.4); c.103G>A (NM_201649.2); short protein forms V35I.
Identifiers: ClinVar variation 1903252 (VCV001903252.6), dbSNP rs1470829776, ClinGen allele CA340074414.

ClinVar aggregate classification (germline): Uncertain significance. Review status: criteria provided, multiple submitters, no conflicts (2 of 4 stars). 2 submissions from 2 submitters: Uncertain significance (2). Last evaluated 2025-06-29.

Conditions:
Atypical glycine encephalopathy. Also called: Glycine encephalopathy with normal serum glycine. Identifiers: Orphanet 289863, MedGen C4310943, MONDO:0015010, OMIM 617301.
Inborn genetic diseases. Identifiers: MedGen C0950123, MeSH D030342.

Allele frequency attached by ClinVar (database versions not stated): gnomAD exomes below 0.00001; gnomAD 0.00001; TOPMed 0.00002.
gnomAD v4.1: 3 of 1,613,848 alleles (0.00019%); highest among the groups gnomAD compares: African/African-American, 0.0027%; no homozygotes.

Submissions (2):

Ambry Genetics
Classification: Uncertain significance for Inborn genetic diseases. Last evaluated: 2025-06-29. Review status: criteria provided, single submitter. Criteria: Ambry Variant Classification Scheme 2023. Collection method: clinical testing. Allele origin: germline.

Labcorp Genetics (formerly Invitae), Labcorp
Classification: Uncertain significance for Atypical glycine encephalopathy. Last evaluated: 2022-11-08. Review status: criteria provided, single submitter. Criteria: Invitae Variant Classification Sherloc (09022015). Collection method: clinical testing. Allele origin: germline.
Comment: In summary, the available evidence is currently insufficient to determine the role of this variant in disease. Therefore, it has been classified as a Variant of Uncertain Significance. Algorithms developed to predict the effect of missense changes on protein structure and function (SIFT, PolyPhen-2, Align-GVGD) all suggest that this variant is likely to be tolerated. This variant has not been reported in the literature in individuals affected with SLC6A9-related conditions. This variant is not present in population databases (gnomAD no frequency). This sequence change replaces valine, which is neutral and non-polar, with isoleucine, which is neutral and non-polar, at codon 35 of the SLC6A9 protein (p.Val35Ile).